The following is an entry in ClinVar:

NM_033305.3(VPS13A):c.4469G>A (p.Arg1490Lys)

Gene: VPS13A (vacuolar protein sorting 13 homolog A; plus strand). Cytogenetic location: 9q21.2.
Variant type: single nucleotide variant.
Coding change: c.4469G>A on transcript NM_033305.3 (MANE Select); coding-DNA position 4469, G replaced by A.
Protein change: p.Arg1490Lys; replaces arginine 1490 with lysine.
Molecular consequence: missense variant.
Genome position (GRCh38, 1-based): chr9:77,315,309, G>A. VCF-style: chr9-77315309-G-A. GRCh37 (hg19) VCF-style: chr9-79930225-G-A.
Other names: c.4352G>A, p.Arg1451Lys (NM_001018037.2); c.4469G>A, p.Arg1490Lys (NM_001018038.3, NM_015186.4); short protein forms R1490K, R1451K.
Identifiers: ClinVar variation 367383 (VCV000367383.19), dbSNP rs76077278, ClinGen allele CA5092533.

ClinVar aggregate classification (germline): Benign. Review status: criteria provided, multiple submitters, no conflicts (2 of 4 stars). 6 submissions from 6 submitters: Benign (5). 1 of the submissions does not count toward it. Last evaluated 2026-02-04.

Conditions:
VPS13A-related neurodegenerative disease. Also called: Choreoacanthocytosis; Chorea-acanthocytosis; LEVINE-CRITCHLEY SYNDROME; Choreaacanthocytosis; ACANTHOCYTOSIS WITH NEUROLOGIC DISORDER; VPS13A Disease. Identifiers: Orphanet 2388, MedGen C0393576, MONDO:0008695, OMIM 200150.

Allele frequency attached by ClinVar (database versions not stated): gnomAD exomes 0.00642 and 0.01684; ExAC 0.01730; ESP Exome Variant Server 0.01891; gnomAD 0.02297 and 0.02301; TOPMed 0.02591; 1000 Genomes Project 30x 0.04388; 1000 Genomes Project 0.04453.
gnomAD v4.1: 13,268 of 1,613,932 alleles (0.82%); highest among the groups gnomAD compares: East Asian, 12%; 538 homozygotes.

Submissions (6):

Labcorp Genetics (formerly Invitae), Labcorp
Classification: Benign. Last evaluated: 2026-02-04. Review status: criteria provided, single submitter. Criteria: Invitae Variant Classification Sherloc (09022015). Collection method: clinical testing. Allele origin: germline.

Mayo Clinic Laboratories, Mayo Clinic
Classification: Benign. Last evaluated: 2022-03-23. Review status: criteria provided, single submitter. Criteria: ACMG Guidelines, 2015. Collection method: clinical testing. Allele origin: germline. Observed: 5 variant alleles.

GeneDx
Classification: Benign. Last evaluated: 2018-08-11. Review status: criteria provided, single submitter. Criteria: GeneDx Variant Classification Process June 2021. Collection method: clinical testing. Allele origin: germline. Affected: yes.

Illumina Laboratory Services, Illumina
Classification: Benign for VPS13A-related neurodegenerative disease. Last evaluated: 2018-01-13. Review status: criteria provided, single submitter. Criteria: ICSL Variant Classification Criteria 13 December 2019. Collection method: clinical testing. Allele origin: germline.
Comment: This variant was observed in the ICSL laboratory as part of a predisposition screen in an ostensibly healthy population. It had not been previously curated by ICSL or reported in the Human Gene Mutation Database (HGMD: prior to June 1st, 2018), and was therefore a candidate for classification through an automated scoring system. Utilizing variant allele frequency, disease prevalence and penetrance estimates, and inheritance mode, an automated score was calculated to assess if this variant is too frequent to cause the disease. Based on the score and internal cut-off values, a variant classified as benign is not then subjected to further curation. The score for this variant resulted in a classification of benign for this disease.

Breakthrough Genomics
Classification: Benign. Review status: criteria provided, single submitter. Criteria: ACMG Guidelines, 2015. Collection method: not provided. Allele origin: germline. Inheritance: Autosomal recessive inheritance. Affected: yes.

Natera, Inc.
Classification: Benign for Choreaacanthocytosis. Last evaluated: 2019-12-02. Review status: no assertion criteria provided. Collection method: clinical testing. Allele origin: germline. Not counted in ClinVar's aggregate classification.